The following is an entry in ClinVar:

NM_020719.3(PRR12):c.5178C>A (p.Pro1726=)

Gene: PRR12 (proline rich 12; plus strand). Cytogenetic location: 19q13.33.
Variant type: single nucleotide variant.
Coding change: c.5178C>A on transcript NM_020719.3 (MANE Select); coding-DNA position 5178, C replaced by A.
Protein change: p.Pro1726=; no amino-acid change (proline 1726 retained).
Molecular consequence: synonymous variant.
Genome position (GRCh38, 1-based): chr19:49,615,900, C>A. VCF-style: chr19-49615900-C-A. GRCh37 (hg19) VCF-style: chr19-50119157-C-A.
Identifiers: ClinVar variation 4822908 (VCV004822908.4).

ClinVar aggregate classification (germline): Likely benign (1 of 4 stars; one submission).

Submission:

CeGaT Center for Human Genetics Tuebingen
Classification: Likely benign. Last evaluated: 2026-01-01. Review status: criteria provided, single submitter. Criteria: CeGaT Center For Human Genetics Tuebingen Variant Classification Criteria Version 2. Collection method: clinical testing. Allele origin: germline. Affected: yes. Observed: 1 variant allele.
Comment: PRR12: PM2:Supporting, BP4, BP7